The following is an entry in ClinVar:

ClinVar aggregate classification (germline): Uncertain significance (1 of 4 stars; one submission).

Submission:

Labcorp Genetics (formerly Invitae), Labcorp
Classification: Uncertain significance. Last evaluated: 2023-12-24. Review status: criteria provided, single submitter. Criteria: Invitae Variant Classification Sherloc (09022015). Collection method: clinical testing. Allele origin: germline.
Comment: This sequence change replaces valine, which is neutral and non-polar, with methionine, which is neutral and non-polar, at codon 32 of the PDE8B protein (p.Val32Met). This variant is not present in population databases (gnomAD no frequency). This variant has not been reported in the literature in individuals affected with PDE8B-related conditions. An algorithm developed to predict the effect of missense changes on protein structure and function (PolyPhen-2) suggests that this variant is likely to be tolerated. In summary, the available evidence is currently insufficient to determine the role of this variant in disease. Therefore, it has been classified as a Variant of Uncertain Significance.

NM_003719.5(PDE8B):c.94G>A (p.Val32Met)

Gene: PDE8B (phosphodiesterase 8B; plus strand). Cytogenetic location: 5q13.3.
Variant type: single nucleotide variant.
Coding change: c.94G>A on transcript NM_003719.5 (MANE Select); coding-DNA position 94, G replaced by A.
Protein change: p.Val32Met; replaces valine 32 with methionine.
Molecular consequence: missense variant. On other transcripts: 5 prime UTR variant (1), intron variant (15).
Genome position (GRCh38, 1-based): chr5:77,211,019, G>A. VCF-style: chr5-77211019-G-A. GRCh37 (hg19) VCF-style: chr5-76506844-G-A.
Other names: c.94G>A, p.Val32Met (NM_001029851.4, NM_001029852.4, NM_001029853.4 and 7 more transcripts); c.-276G>A (NM_001349753.2); c.-34+92498G>A (NM_001414622.1, NM_001414623.1); c.36+30533G>A (NM_001349750.3, NM_001376069.1, NM_001376062.1 and 7 more transcripts); c.-34+973G>A (NM_001376067.1, NM_001376075.1); c.-31+973G>A (NM_001376068.1); short protein forms V32M.
Identifiers: ClinVar variation 2705237 (VCV002705237.3), dbSNP rs781263902, ClinGen allele CA360326584.
Genomic context (GRCh38, chr5:77,211,019, plus strand): 5'-AGCGGCGTGATCTACTGCCGGGACTCGGACGAGTCCAGCTCGCCCCGCCAGACCACCAGC[G>A]TGTCGCAGGGCCCGGCGGCACCCCTGCCCGGCCTCTTCGTCCAGACCGACGCCGCCGACG-3'
Protein context (NP_003710.1, residues 22-42): ESSSPRQTTS[Val32Met]SQGPAAPLPG